The following is an entry in ClinVar:

ClinVar aggregate classification (germline): Uncertain significance. Review status: criteria provided, multiple submitters, no conflicts (2 of 4 stars). 2 submissions from 2 submitters: Uncertain significance (2). Last evaluated 2025-08-14.

Submissions (2):

Labcorp Genetics (formerly Invitae), Labcorp
Classification: Uncertain significance. Last evaluated: 2025-08-14. Review status: criteria provided, single submitter. Criteria: Invitae Variant Classification Sherloc (09022015). Collection method: clinical testing. Allele origin: germline.
Comment: This sequence change falls in intron 5 of the CNGB1 gene. It does not directly change the encoded amino acid sequence of the CNGB1 protein. It affects a nucleotide within the consensus splice site. This variant is not present in population databases (gnomAD no frequency). This variant has been observed in individual(s) with retinitis pigmentosa (internal data). Variants that disrupt the consensus splice site are a relatively common cause of aberrant splicing (PMID: 17576681, 9536098). Algorithms developed to predict the effect of sequence changes on RNA splicing suggest that this variant may disrupt the consensus splice site. This variant disrupts the c.382-3C nucleotide in the CNGB1 gene. Other variant(s) that disrupt this nucleotide have been determined to be pathogenic (PMID: 37217489; internal data). This suggests that this nucleotide is clinically significant, and that variants that disrupt this position are likely to be disease-causing. In summary, the available evidence is currently insufficient to determine the role of this variant in disease. Therefore, it has been classified as a Variant of Uncertain Significance.

Blueprint Genetics
Classification: Uncertain significance. Last evaluated: 2024-08-29. Review status: criteria provided, single submitter. Criteria: ACMG Guidelines, 2015. Collection method: clinical testing. Allele origin: germline.

Literature cited by the submitters: PubMed 17576681 (cited by Labcorp Genetics (formerly Invitae), Labcorp); PubMed 9536098 (cited by Labcorp Genetics (formerly Invitae), Labcorp); PubMed 37217489 (cited by Labcorp Genetics (formerly Invitae), Labcorp).

NM_001297.5(CNGB1):c.382-3C>A

Gene: CNGB1 (cyclic nucleotide gated channel subunit beta 1; minus strand). Cytogenetic location: 16q21.
Variant type: single nucleotide variant.
Coding change: c.382-3C>A on transcript NM_001297.5 (MANE Select); 3 bases into the intron before coding-DNA position 382, C replaced by A.
Molecular consequence: intron variant.
Genome position (GRCh38, 1-based): chr16:57,962,875, G>T on the plus strand (C>A on the coding strand, the complement: CNGB1 is on the minus strand). VCF-style: chr16-57962875-G-T. GRCh37 (hg19) VCF-style: chr16-57996779-G-T.
Other names: c.382-3C>A (NM_001286130.2, NM_001135639.2).
Identifiers: ClinVar variation 4775909 (VCV004775909.2).